The following is an entry in ClinVar:

ClinVar aggregate classification (germline): Uncertain significance. Review status: criteria provided, multiple submitters, no conflicts (2 of 4 stars). 2 submissions from 2 submitters: Uncertain significance (2). Last evaluated 2024-05-24.

Conditions:
Focal segmental glomerulosclerosis 2 (FSGS2). Identifiers: Orphanet 656, MedGen C1858915, MONDO:0011390, OMIM 603965.

gnomAD v4.1: 2 of 1,533,260 alleles (0.00013%); highest among the groups gnomAD compares: Non-Finnish European, 0.00018%; no homozygotes.

Submissions (2):

Fulgent Genetics
Classification: Uncertain significance for Focal segmental glomerulosclerosis 2. Last evaluated: 2024-05-24. Review status: criteria provided, single submitter. Criteria: ACMG Guidelines, 2015. Collection method: clinical testing. Allele origin: germline.

Labcorp Genetics (formerly Invitae), Labcorp
Classification: Uncertain significance. Last evaluated: 2024-05-10. Review status: criteria provided, single submitter. Criteria: Invitae Variant Classification Sherloc (09022015). Collection method: clinical testing. Allele origin: germline.
Comment: This sequence change replaces arginine, which is basic and polar, with proline, which is neutral and non-polar, at codon 16 of the TRPC6 protein (p.Arg16Pro). This variant is not present in population databases (gnomAD no frequency). This variant has not been reported in the literature in individuals affected with TRPC6-related conditions. Algorithms developed to predict the effect of missense changes on protein structure and function output the following: SIFT: "Not Available"; PolyPhen-2: "Not Available"; Align-GVGD: "Not Available". The proline amino acid residue is found in multiple mammalian species, which suggests that this missense change does not adversely affect protein function. In summary, the available evidence is currently insufficient to determine the role of this variant in disease. Therefore, it has been classified as a Variant of Uncertain Significance.

NM_004621.6(TRPC6):c.47G>C (p.Arg16Pro)

Gene: TRPC6 (transient receptor potential cation channel subfamily C member 6; minus strand). Cytogenetic location: 11q22.1.
Variant type: single nucleotide variant.
Coding change: c.47G>C on transcript NM_004621.6 (MANE Select); coding-DNA position 47, G replaced by C.
Protein change: p.Arg16Pro; replaces arginine 16 with proline.
Molecular consequence: missense variant.
Genome position (GRCh38, 1-based): chr11:101,583,457, C>G on the plus strand (G>C on the coding strand, the complement: TRPC6 is on the minus strand). VCF-style: chr11-101583457-C-G. GRCh37 (hg19) VCF-style: chr11-101454188-C-G.
Other names: short protein forms R16P.
Identifiers: ClinVar variation 3598842 (VCV003598842.3).